The following is an entry in ClinVar:

ClinVar aggregate classification (germline): Likely benign (1 of 4 stars; one submission).

Conditions:
Legius syndrome. Identifiers: Orphanet 137605, MedGen C1969623, MONDO:0012669, OMIM 611431. Disease mechanism: loss of function.

Allele frequency attached by ClinVar (database versions not stated): gnomAD 0.00016 and 0.00022; TOPMed 0.00025; 1000 Genomes Project 30x 0.00062; 1000 Genomes Project 0.00080.

Submission:

Illumina Laboratory Services, Illumina
Classification: Likely benign for Legius syndrome. Last evaluated: 2018-01-13. Review status: criteria provided, single submitter. Criteria: ICSL Variant Classification Criteria 13 December 2019. Collection method: clinical testing. Allele origin: germline.
Comment: This variant was observed in the ICSL laboratory as part of a predisposition screen in an ostensibly healthy population. It had not been previously curated by ICSL or reported in the Human Gene Mutation Database (HGMD: prior to June 1st, 2018), and was therefore a candidate for classification through an automated scoring system. Utilizing variant allele frequency, disease prevalence and penetrance estimates, and inheritance mode, an automated score was calculated to assess if this variant is too frequent to cause the disease. Based on the score and internal cut-off values, a variant classified as likely benign is not then subjected to further curation. The score for this variant resulted in a classification of likely benign for this disease.

NM_152594.3(SPRED1):c.*2247A>G

Gene: SPRED1 (sprouty related EVH1 domain containing 1; plus strand). Cytogenetic location: 15q14.
Variant type: single nucleotide variant.
Coding change: c.*2247A>G on transcript NM_152594.3 (MANE Select); 2247 bases downstream of the stop codon, A replaced by G.
Molecular consequence: 3 prime UTR variant.
Genome position (GRCh38, 1-based): chr15:38,353,911, A>G. VCF-style: chr15-38353911-A-G. GRCh37 (hg19) VCF-style: chr15-38646112-A-G.
Identifiers: ClinVar variation 885299 (VCV000885299.4), dbSNP rs118057877, ClinGen allele CA269293676.